The following is an entry in ClinVar:

ClinVar aggregate classification (germline): Uncertain significance (1 of 4 stars; one submission).

Submission:

Labcorp Genetics (formerly Invitae), Labcorp
Classification: Uncertain significance. Last evaluated: 2025-11-21. Review status: criteria provided, single submitter. Criteria: Invitae Variant Classification Sherloc (09022015). Collection method: clinical testing. Allele origin: germline.
Comment: This sequence change replaces proline, which is neutral and non-polar, with leucine, which is neutral and non-polar, at codon 76 of the TFAP2B protein (p.Pro76Leu). This variant is not present in population databases (gnomAD no frequency). This variant has not been reported in the literature in individuals affected with TFAP2B-related conditions. Invitae Evidence Modeling of protein sequence and biophysical properties (such as structural, functional, and spatial information, amino acid conservation, physicochemical variation, residue mobility, and thermodynamic stability) indicates that this missense variant is not expected to disrupt TFAP2B protein function with a negative predictive value of 80%. In summary, the available evidence is currently insufficient to determine the role of this variant in disease. Therefore, it has been classified as a Variant of Uncertain Significance.

NM_003221.4(TFAP2B):c.227C>T (p.Pro76Leu)

Gene: TFAP2B (transcription factor AP-2 beta; plus strand). Cytogenetic location: 6p12.3.
Variant type: single nucleotide variant.
Coding change: c.227C>T on transcript NM_003221.4 (MANE Select); coding-DNA position 227, C replaced by T.
Protein change: p.Pro76Leu; replaces proline 76 with leucine.
Molecular consequence: missense variant.
Genome position (GRCh38, 1-based): chr6:50,823,552, C>T. VCF-style: chr6-50823552-C-T. GRCh37 (hg19) VCF-style: chr6-50791265-C-T.
Other names: short protein forms P76L.
Identifiers: ClinVar variation 4743264 (VCV004743264.1).